The following is an entry in ClinVar:

NM_145200.5(CABP4):c.800-2A>G

Gene: CABP4 (calcium binding protein 4; plus strand). Cytogenetic location: 11q13.2.
Variant type: single nucleotide variant.
Coding change: c.800-2A>G on transcript NM_145200.5 (MANE Select); the canonical splice acceptor site of the intron before coding-DNA position 800, A replaced by G.
Molecular consequence: splice acceptor variant.
Genome position (GRCh38, 1-based): chr11:67,458,629, A>G. VCF-style: chr11-67458629-A-G. GRCh37 (hg19) VCF-style: chr11-67226100-A-G.
Other names: c.485-2A>G (NM_001379183.1, NM_001300896.3, NM_001300895.3).
Identifiers: ClinVar variation 1898306 (VCV001898306.5), dbSNP rs2495285493, ClinGen allele CA381533915.
Genomic context (GRCh38, chr11:67,458,629, plus strand): 5'-GCCCAGCACCTCCTGGGATCCCTGACGTGGACTGACCCAAGCCCTGCCCTTCTCTCCCGC[A>G]GAGTTTGTGATGATGCTCTCCCGCCACTGAGGCTCCAGGAGGGAATATCTGTTGCCCCTG-3'

ClinVar aggregate classification (germline): Uncertain significance (1 of 4 stars; one submission).

Submission:

Labcorp Genetics (formerly Invitae), Labcorp
Classification: Uncertain significance. Last evaluated: 2022-10-25. Review status: criteria provided, single submitter. Criteria: Invitae Variant Classification Sherloc (09022015). Collection method: clinical testing. Allele origin: germline.
Comment: This sequence change affects an acceptor splice site in intron 5 of the CABP4 gene. While this variant is not anticipated to result in nonsense mediated decay, it likely alters RNA splicing and results in a disrupted protein product. This variant is not present in population databases (gnomAD no frequency). This variant has not been reported in the literature in individuals affected with CABP4-related conditions. Variants that disrupt the consensus splice site are a relatively common cause of aberrant splicing (PMID: 17576681, 9536098). Algorithms developed to predict the effect of sequence changes on RNA splicing suggest that this variant may disrupt the consensus splice site. In summary, the available evidence is currently insufficient to determine the role of this variant in disease. Therefore, it has been classified as a Variant of Uncertain Significance.

Literature cited by the submitters: PubMed 17576681; PubMed 9536098.